The following is an entry in ClinVar:

ClinVar aggregate classification (germline): Uncertain significance. Review status: criteria provided, multiple submitters, no conflicts (2 of 4 stars). 2 submissions from 2 submitters: Uncertain significance (2). Last evaluated 2024-10-28.

gnomAD v4.1: 1 of 1,611,472 alleles (0.000062%); highest among the groups gnomAD compares: Non-Finnish European, 0.000085%; no homozygotes.

Submissions (2):

Labcorp Genetics (formerly Invitae), Labcorp
Classification: Uncertain significance. Last evaluated: 2024-10-28. Review status: criteria provided, single submitter. Criteria: Invitae Variant Classification Sherloc (09022015). Collection method: clinical testing. Allele origin: germline.
Comment: This sequence change replaces proline, which is neutral and non-polar, with alanine, which is neutral and non-polar, at codon 281 of the NPAT protein (p.Pro281Ala). This variant is not present in population databases (gnomAD no frequency). This variant has not been reported in the literature in individuals affected with NPAT-related conditions. ClinVar contains an entry for this variant (Variation ID: 1763309). An algorithm developed to predict the effect of missense changes on protein structure and function (PolyPhen-2) suggests that this variant is likely to be disruptive. In summary, the available evidence is currently insufficient to determine the role of this variant in disease. Therefore, it has been classified as a Variant of Uncertain Significance.

Ambry Genetics
Classification: Uncertain significance. Last evaluated: 2021-08-09. Review status: criteria provided, single submitter. Criteria: Ambry Variant Classification Scheme 2023. Collection method: clinical testing. Allele origin: germline.
Comment: The p.P281A variant (also known as c.841C>G), located in coding exon 10 of the NPAT gene, results from a C to G substitution at nucleotide position 841. The proline at codon 281 is replaced by alanine, an amino acid with highly similar properties. This amino acid position is conserved. In addition, this alteration is predicted to be tolerated by in silico analysis. Since supporting evidence is limited at this time, the clinical significance of this alteration remains unclear.

NM_002519.3(NPAT):c.841C>G (p.Pro281Ala)

Gene: NPAT (nuclear protein, coactivator of histone transcription; minus strand). Cytogenetic location: 11q22.3.
Variant type: single nucleotide variant.
Coding change: c.841C>G on transcript NM_002519.3 (MANE Select); coding-DNA position 841, C replaced by G.
Protein change: p.Pro281Ala; replaces proline 281 with alanine.
Molecular consequence: missense variant.
Genome position (GRCh38, 1-based): chr11:108,185,297, G>C on the plus strand (C>G on the coding strand, the complement: NPAT is on the minus strand). VCF-style: chr11-108185297-G-C. GRCh37 (hg19) VCF-style: chr11-108056024-G-C.
Other names: c.841C>G, p.Pro281Ala (NM_001321307.1); short protein forms P281A.
Identifiers: ClinVar variation 1763309 (VCV001763309.5), dbSNP rs774084436, ClinGen allele CA382520159.